The following is an entry in ClinVar:

ClinVar aggregate classification (germline): Uncertain significance (1 of 4 stars; one submission).

Submission:

GeneDx
Classification: Uncertain significance. Last evaluated: 2025-07-29. Review status: criteria provided, single submitter. Criteria: GeneDx Variant Classification Process June 2021. Collection method: clinical testing. Allele origin: germline. Affected: yes.
Comment: Not observed at significant frequency in large population cohorts (gnomAD); In silico analysis suggests that this missense variant does not alter protein structure/function; Has not been previously published as pathogenic or benign to our knowledge

NM_002025.4(AFF2):c.2552G>A (p.Gly851Asp)

Gene: AFF2 (ALF transcription elongation factor 2; plus strand). Cytogenetic location: Xq28.
Variant type: single nucleotide variant.
Coding change: c.2552G>A on transcript NM_002025.4 (MANE Select); coding-DNA position 2552, G replaced by A.
Protein change: p.Gly851Asp; replaces glycine 851 with aspartic acid.
Molecular consequence: missense variant.
Genome position (GRCh38, 1-based): chrX:148,956,597, G>A. VCF-style: chrX-148956597-G-A. GRCh37 (hg19) VCF-style: chrX-148038127-G-A.
Other names: c.2453G>A, p.Gly818Asp (NM_001169122.2); c.2522G>A, p.Gly841Asp (NM_001169123.2); c.2447G>A, p.Gly816Asp (NM_001169124.2); c.2435G>A, p.Gly812Asp (NM_001169125.2); c.1475G>A, p.Gly492Asp (NM_001170628.1); short protein forms G492D, G812D, G816D, G818D, G841D, G851D.
Identifiers: ClinVar variation 4755822 (VCV004755822.1).